The following is an entry in ClinVar:

ClinVar aggregate classification (germline): Uncertain significance (1 of 4 stars; one submission).

Submission:

GeneDx
Classification: Uncertain significance. Last evaluated: 2025-10-02. Review status: criteria provided, single submitter. Criteria: GeneDx Variant Classification Process June 2021. Collection method: clinical testing. Allele origin: germline. Affected: yes.
Comment: Not observed at significant frequency in large population cohorts (gnomAD); In silico analysis supports a deleterious effect on splicing; Has not been previously published as pathogenic or benign to our knowledge

NM_001042492.3(NF1):c.5268+1_5268+5dup

Gene: NF1 (neurofibromin 1; plus strand). Cytogenetic location: 17q11.2.
Variant type: Duplication.
Coding change: c.5268+1_5268+5dup on transcript NM_001042492.3 (MANE Select); the canonical splice donor site of the intron after coding-DNA position 5268 through 5 bases into the intron after coding-DNA position 5268, 5 bases duplicated (GTAAG; older notation c.5268+1_5268+5dupGTAAG).
Molecular consequence: splice donor variant.
Genome position (GRCh38, 1-based): chr17:31,326,253-31,326,257, GTAAG duplicated. VCF-style (leftmost placement, unchanged base first): chr17-31326252-A-AGTAAG. GRCh37 (hg19) VCF-style: chr17-29653270-A-AGTAAG.
Other names: c.5205+1_5205+5dup (NM_000267.4).
Identifiers: ClinVar variation 4819511 (VCV004819511.1).